The following is an entry in ClinVar:

ClinVar aggregate classification (germline): Benign/Likely benign. Review status: criteria provided, multiple submitters, no conflicts (2 of 4 stars). 3 submissions from 3 submitters: Benign (1); Likely benign (2). Last evaluated 2025-12-18.

Conditions:
Oligodontia-cancer predisposition syndrome. Also called: TOOTH AGENESIS-COLORECTAL CANCER SYNDROME. Identifiers: Orphanet 300576, MedGen C1837750, MONDO:0012075, OMIM 608615. Disease mechanism: loss of function.
Hereditary cancer-predisposing syndrome. Also called: Neoplastic Syndromes, Hereditary; Hereditary Cancer Syndrome; Tumor predisposition; Hereditary neoplastic syndrome. Identifiers: Orphanet 140162, MedGen C0027672, MeSH D009386, MONDO:0015356.

Submissions (3):

Labcorp Genetics (formerly Invitae), Labcorp
Classification: Likely benign for Oligodontia-cancer predisposition syndrome. Last evaluated: 2025-12-18. Review status: criteria provided, single submitter. Criteria: Invitae Variant Classification Sherloc (09022015). Collection method: clinical testing. Allele origin: germline.

Myriad Genetics, Inc.
Classification: Benign for Oligodontia-cancer predisposition syndrome. Last evaluated: 2024-07-09. Review status: criteria provided, single submitter. Criteria: Myriad Autosomal Dominant, Autosomal Recessive and X-Linked Classification Criteria (2023). Collection method: clinical testing. Allele origin: unknown.
Comment: This variant is considered benign. This variant is a silent/synonymous amino acid change and it is not expected to impact splicing.

Ambry Genetics
Classification: Likely benign for Hereditary cancer-predisposing syndrome. Last evaluated: 2021-12-30. Review status: criteria provided, single submitter. Criteria: Ambry Variant Classification Scheme 2023. Collection method: clinical testing. Allele origin: germline.

NM_004655.4(AXIN2):c.1998C>T (p.Asn666=)

Gene: AXIN2 (axin 2; minus strand). Cytogenetic location: 17q24.1.
Variant type: single nucleotide variant.
Coding change: c.1998C>T on transcript NM_004655.4 (MANE Select); coding-DNA position 1998, C replaced by T.
Protein change: p.Asn666=; no amino-acid change (asparagine 666 retained).
Molecular consequence: synonymous variant.
Genome position (GRCh38, 1-based): chr17:65,536,463, G>A on the plus strand (C>T on the coding strand, the complement: AXIN2 is on the minus strand). VCF-style: chr17-65536463-G-A. GRCh37 (hg19) VCF-style: chr17-63532581-G-A.
Other names: c.1803C>T, p.Asn601= (NM_001363813.1).
Identifiers: ClinVar variation 772138 (VCV000772138.12), dbSNP rs1460508423, ClinGen allele CA501690965.
Genomic context (GRCh38, chr17:65,536,463, plus strand): 5'-AGGCATCGCAGGGTCCTGGGTGAACAGGTGGGCACGGGGGGTGGTGCGGGGGTGCCCGCT[G>A]TTGCCCCCCCACAGATGGTGCCGGCTGGCTCGTTCGCCTGGAGACGAGCGGGCAGACTCC-3'
Protein context (NP_004646.3, residues 656-676): RASRHHLWGG[Asn666=]SGHPRTTPRA